The following is an entry in ClinVar:

ClinVar aggregate classification (germline): Uncertain significance (1 of 4 stars; one submission).

Allele frequency attached by ClinVar (database versions not stated): ESP Exome Variant Server 0.00008.
gnomAD v4.1: 19 of 1,612,300 alleles (0.0012%); highest among the groups gnomAD compares: African/African-American, 0.0027%; no homozygotes.

Submission:

Labcorp Genetics (formerly Invitae), Labcorp
Classification: Uncertain significance. Last evaluated: 2023-02-16. Review status: criteria provided, single submitter. Criteria: Invitae Variant Classification Sherloc (09022015). Collection method: clinical testing. Allele origin: germline.
Comment: This variant has not been reported in the literature in individuals affected with LTBP4-related conditions. Experimental studies and prediction algorithms are not available or were not evaluated, and the functional significance of this variant is currently unknown. In summary, the available evidence is currently insufficient to determine the role of this variant in disease. Therefore, it has been classified as a Variant of Uncertain Significance. This sequence change replaces proline, which is neutral and non-polar, with serine, which is neutral and polar, at codon 1421 of the LTBP4 protein (p.Pro1421Ser). This variant is present in population databases (rs372391793, gnomAD 0.01%).

NM_001042545.2(LTBP4):c.4171C>T (p.Pro1391Ser)

Gene: LTBP4 (latent transforming growth factor beta binding protein 4; plus strand). Cytogenetic location: 19q13.2.
Variant type: single nucleotide variant.
Coding change: c.4171C>T on transcript NM_001042545.2 (MANE Select); coding-DNA position 4171, C replaced by T.
Protein change: p.Pro1391Ser; replaces proline 1391 with serine.
Molecular consequence: missense variant.
Genome position (GRCh38, 1-based): chr19:40,627,160, C>T. VCF-style: chr19-40627160-C-T. GRCh37 (hg19) VCF-style: chr19-41133065-C-T.
Other names: c.4372C>T, p.Pro1458Ser (NM_001042544.1); c.4261C>T, p.Pro1421Ser (NM_003573.2); short protein forms P1391S, P1421S, P1458S.
Identifiers: ClinVar variation 1930344 (VCV001930344.5), dbSNP rs372391793, ClinGen allele CA9449250.